The following is an entry in ClinVar:

ClinVar aggregate classification (germline): Pathogenic (1 of 4 stars; one submission).

Submission:

Labcorp Genetics (formerly Invitae), Labcorp
Classification: Pathogenic. Last evaluated: 2025-08-30. Review status: criteria provided, single submitter. Criteria: Invitae Variant Classification Sherloc (09022015). Collection method: clinical testing. Allele origin: germline.
Comment: This sequence change creates a premature translational stop signal (p.Glu2521Leufs*76) in the SZT2 gene. It is expected to result in an absent or disrupted protein product. Loss-of-function variants in SZT2 are known to be pathogenic (PMID: 23932106, 27248490, 28556953). This variant is not present in population databases (gnomAD no frequency). This variant has not been reported in the literature in individuals affected with SZT2-related conditions. For these reasons, this variant has been classified as Pathogenic.

Literature cited by the submitters: PubMed 23932106; PubMed 27248490; PubMed 28556953.

NM_001365999.1(SZT2):c.7730_7731dup (p.Glu2578fs)

Gene: SZT2 (SZT2 subunit of KICSTOR complex; plus strand). Cytogenetic location: 1p34.2.
Variant type: Duplication.
Coding change: c.7730_7731dup on transcript NM_001365999.1 (MANE Select); coding-DNA positions 7730 to 7731, 2 bases duplicated (TT; older notation c.7730_7731dupTT).
Protein change: p.Glu2578fs; shifts the reading frame from glutamic acid 2578.
Molecular consequence: frameshift variant.
Genome position (GRCh38, 1-based): chr1:43,441,806-43,441,807, TT duplicated; duplicating any 2 consecutive bases within chr1:43,441,805-43,441,807 gives the same sequence; the c. name uses the placement nearest the transcript's 3' end. VCF-style (leftmost placement, unchanged base first): chr1-43441804-C-CTT. GRCh37 (hg19) VCF-style: chr1-43907475-C-CTT.
Other names: c.7559_7560dup, p.Glu2521fs (NM_015284.4); short protein forms E2521fs, E2578fs.
Identifiers: ClinVar variation 4725053 (VCV004725053.1).